The following is an entry in ClinVar:

NM_001903.5(CTNNA1):c.2590C>G (p.Pro864Ala)

Gene: CTNNA1 (catenin alpha 1; plus strand). Cytogenetic location: 5q31.2.
Variant type: single nucleotide variant.
Coding change: c.2590C>G on transcript NM_001903.5 (MANE Select); coding-DNA position 2590, C replaced by G.
Protein change: p.Pro864Ala; replaces proline 864 with alanine.
Molecular consequence: missense variant. On other transcripts: 3 prime UTR variant (5).
Genome position (GRCh38, 1-based): chr5:138,933,958, C>G. VCF-style: chr5-138933958-C-G. GRCh37 (hg19) VCF-style: chr5-138269647-C-G.
Other names: c.2590C>G, p.Pro864Ala (NM_001323982.2, NM_001323983.1, NM_001323984.2); c.2563C>G, p.Pro855Ala (NM_001323985.2); c.2497C>G, p.Pro833Ala (NM_001323986.2); c.1480C>G, p.Pro494Ala (NM_001323987.1, NM_001323988.1, NM_001323989.1 and 12 more transcripts); c.1345C>G, p.Pro449Ala (NM_001324001.1); c.*135C>G (NM_001324002.1, NM_001324003.1, NM_001324004.1 and 2 more transcripts); c.1141C>G, p.Pro381Ala (NM_001324006.1, NM_001324007.1, NM_001324008.1 and 2 more transcripts); c.1387C>G, p.Pro463Ala (NM_001324011.1); and 3 more; short protein forms P413A, P833A, P864A, P741A, P761A, P855A, P381A, P463A.
Identifiers: ClinVar variation 1793517 (VCV001793517.2), dbSNP rs2533953361, ClinGen allele CA361135549.

ClinVar aggregate classification (germline): Uncertain significance (1 of 4 stars; one submission).

Conditions:
Hereditary cancer-predisposing syndrome. Also called: Tumor predisposition; Hereditary Cancer Syndrome; Neoplastic Syndromes, Hereditary; Hereditary neoplastic syndrome. Identifiers: Orphanet 140162, MedGen C0027672, MeSH D009386, MONDO:0015356.

Submission:

Ambry Genetics
Classification: Uncertain significance for Hereditary cancer-predisposing syndrome. Last evaluated: 2022-03-04. Review status: criteria provided, single submitter. Criteria: Ambry Variant Classification Scheme 2023. Collection method: clinical testing. Allele origin: germline.
Comment: The p.P864A variant (also known as c.2590C>G), located in coding exon 17 of the CTNNA1 gene, results from a C to G substitution at nucleotide position 2590. The proline at codon 864 is replaced by alanine, an amino acid with highly similar properties. This amino acid position is conserved. In addition, this alteration is predicted to be tolerated by in silico analysis. Since supporting evidence is limited at this time, the clinical significance of this alteration remains unclear.